The following is an entry in ClinVar:

NM_001378457.1(DMXL2):c.8857C>G (p.Gln2953Glu)

Genes: DMXL2 (Dmx like 2; minus strand), LOC126862131 (MED14-independent group 3 enhancer GRCh37_chr15:51741640-51742839; plus strand). Cytogenetic location: 15q21.2.
Variant type: single nucleotide variant.
Coding change: c.8857C>G on transcript NM_001378457.1 (MANE Select); coding-DNA position 8857, C replaced by G.
Protein change: p.Gln2953Glu; replaces glutamine 2953 with glutamic acid.
Molecular consequence: missense variant. On other transcripts: non-coding transcript variant (2).
Genome position (GRCh38, 1-based): chr15:51,450,239, G>C on the plus strand (C>G on the coding strand, the complement: DMXL2 is on the minus strand). VCF-style: chr15-51450239-G-C. GRCh37 (hg19) VCF-style: chr15-51742436-G-C.
Other names: c.8794C>G, p.Gln2932Glu (NM_001174116.3); c.6883C>G, p.Gln2295Glu (NM_001174117.3); c.8854C>G, p.Gln2952Glu (NM_001378458.1); c.8569C>G, p.Gln2857Glu (NM_001378459.1); c.6772C>G, p.Gln2258Glu (NM_001378460.1); c.8791C>G, p.Gln2931Glu (NM_015263.5); short protein forms Q2258E, Q2295E, Q2857E, Q2931E, Q2932E, Q2952E, Q2953E.
Identifiers: ClinVar variation 1713625 (VCV001713625.5), dbSNP rs1158791759, ClinGen allele CA392429601.
Genomic context (GRCh38, chr15:51,450,239, plus strand): 5'-CCAAGGCCAGAGCCTTAATAGCTGAGTCATGGGCCTGGAACGTGTGAATGAGCTGCCTTT[G>C]CCTGATGTCAAAAATGCAGACGTGTCCTTTCCTACCCCCCGAGATTAGGAGTTGCTGTTT-3'
Protein context (NP_001365386.1, residues 2943-2963): KGHVCIFDIR[Gln2953Glu]RQLIHTFQAH

ClinVar aggregate classification (germline): Uncertain significance (1 of 4 stars; one submission).

Allele frequency attached by ClinVar (database versions not stated): gnomAD exomes below 0.00001.

Submission:

Labcorp Genetics (formerly Invitae), Labcorp
Classification: Uncertain significance. Last evaluated: 2022-08-08. Review status: criteria provided, single submitter. Criteria: Invitae Variant Classification Sherloc (09022015). Collection method: clinical testing. Allele origin: germline.
Comment: This sequence change replaces glutamine, which is neutral and polar, with glutamic acid, which is acidic and polar, at codon 2932 of the DMXL2 protein (p.Gln2932Glu). This variant is present in population databases (no rsID available, gnomAD 0.007%). This variant has not been reported in the literature in individuals affected with DMXL2-related conditions. Algorithms developed to predict the effect of missense changes on protein structure and function are either unavailable or do not agree on the potential impact of this missense change (SIFT: "Deleterious"; PolyPhen-2: "Probably Damaging"; Align-GVGD: "Class C0"). In summary, the available evidence is currently insufficient to determine the role of this variant in disease. Therefore, it has been classified as a Variant of Uncertain Significance.